The following is an entry in ClinVar:

ClinVar aggregate classification (germline): Conflicting classifications of pathogenicity. Review status: criteria provided, conflicting classifications (1 of 4 stars). 3 submissions from 3 submitters: Uncertain significance (2); Likely benign (1). Last evaluated 2025-12-14.

Conditions:
Epidermolysis bullosa dystrophica. Also called: Dystrophic epidermolysis bullosa, Hallopeau-Siemens type (formerly); Dystrophic epidermolysis bullosa. Identifiers: Orphanet 303, MedGen C0079294, MONDO:0006543.

Allele frequency attached by ClinVar (database versions not stated): gnomAD exomes 0.00007; ExAC 0.00008; gnomAD 0.00008 and 0.00011; TOPMed 0.00009; 1000 Genomes Project 30x 0.00016; 1000 Genomes Project 0.00020.
gnomAD v4.1: 147 of 1,612,944 alleles (0.0091%); highest among the groups gnomAD compares: South Asian, 0.043%; no homozygotes.

Submissions (3):

Labcorp Genetics (formerly Invitae), Labcorp
Classification: Likely benign. Last evaluated: 2025-12-14. Review status: criteria provided, single submitter. Criteria: Invitae Variant Classification Sherloc (09022015). Collection method: clinical testing. Allele origin: germline.

GeneDx
Classification: Uncertain significance. Last evaluated: 2022-10-06. Review status: criteria provided, single submitter. Criteria: GeneDx Variant Classification Process June 2021. Collection method: clinical testing. Allele origin: germline. Affected: yes.
Comment: In silico analysis supports that this missense variant does not alter protein structure/function; Has not been previously published as pathogenic or benign to our knowledge

Illumina Laboratory Services, Illumina
Classification: Uncertain significance for Dystrophic epidermolysis bullosa. Last evaluated: 2018-01-13. Review status: criteria provided, single submitter. Criteria: ICSL Variant Classification Criteria 13 December 2019. Collection method: clinical testing. Allele origin: germline.

NM_000094.4(COL7A1):c.7037G>A (p.Arg2346His)

Gene: COL7A1 (collagen type VII alpha 1 chain; minus strand). Cytogenetic location: 3p21.31.
Variant type: single nucleotide variant.
Coding change: c.7037G>A on transcript NM_000094.4 (MANE Select); coding-DNA position 7037, G replaced by A.
Protein change: p.Arg2346His; replaces arginine 2346 with histidine.
Molecular consequence: missense variant.
Genome position (GRCh38, 1-based): chr3:48,572,032, C>T on the plus strand (G>A on the coding strand, the complement: COL7A1 is on the minus strand). VCF-style: chr3-48572032-C-T. GRCh37 (hg19) VCF-style: chr3-48609465-C-T.
Other names: short protein forms R2346H.
Identifiers: ClinVar variation 345815 (VCV000345815.13), dbSNP rs201432371, ClinGen allele CA2378705.